The following is an entry in ClinVar:

NM_005045.4(RELN):c.1126C>T (p.Pro376Ser)

Gene: RELN (reelin; minus strand). Cytogenetic location: 7q22.1.
Variant type: single nucleotide variant.
Coding change: c.1126C>T on transcript NM_005045.4 (MANE Select); coding-DNA position 1126, C replaced by T.
Protein change: p.Pro376Ser; replaces proline 376 with serine.
Molecular consequence: missense variant.
Genome position (GRCh38, 1-based): chr7:103,697,870, G>A on the plus strand (C>T on the coding strand, the complement: RELN is on the minus strand). VCF-style: chr7-103697870-G-A. GRCh37 (hg19) VCF-style: chr7-103338317-G-A.
Other names: c.1126C>T, p.Pro376Ser (NM_173054.3); short protein forms P376S.
Identifiers: ClinVar variation 2925247 (VCV002925247.4), dbSNP rs1181970485, ClinGen allele CA368927422.

ClinVar aggregate classification (germline): Uncertain significance. Review status: criteria provided, multiple submitters, no conflicts (2 of 4 stars). 2 submissions from 2 submitters: Uncertain significance (2). Last evaluated 2025-04-18.

Conditions:
Familial temporal lobe epilepsy 7. Identifiers: Orphanet 101046, MedGen C4225327, MONDO:0014639, OMIM 616436.
Norman-Roberts syndrome (LIS2). Also called: Lissencephaly 2 (Norman-Roberts type). Identifiers: Orphanet 89844, MedGen C0796089, MONDO:0009760, OMIM 257320.

Allele frequency attached by ClinVar (database versions not stated): TOPMed below 0.00001; gnomAD 0.00001.
gnomAD v4.1: 1 of 1,613,480 alleles (0.000062%); highest among the groups gnomAD compares: Non-Finnish European, 0.000085%; no homozygotes.

Submissions (2):

Labcorp Genetics (formerly Invitae), Labcorp
Classification: Uncertain significance for Familial temporal lobe epilepsy 7; Norman-Roberts syndrome. Last evaluated: 2025-04-18. Review status: criteria provided, single submitter. Criteria: Invitae Variant Classification Sherloc (09022015). Collection method: clinical testing. Allele origin: germline.
Comment: This sequence change replaces proline, which is neutral and non-polar, with serine, which is neutral and polar, at codon 376 of the RELN protein (p.Pro376Ser). This variant is not present in population databases (gnomAD no frequency). This variant has not been reported in the literature in individuals affected with RELN-related conditions. ClinVar contains an entry for this variant (Variation ID: 2925247). Invitae Evidence Modeling of protein sequence and biophysical properties (such as structural, functional, and spatial information, amino acid conservation, physicochemical variation, residue mobility, and thermodynamic stability) has been performed for this missense variant. However, the output from this modeling did not meet the statistical confidence thresholds required to predict the impact of this variant on RELN protein function. In summary, the available evidence is currently insufficient to determine the role of this variant in disease. Therefore, it has been classified as a Variant of Uncertain Significance.

Blueprint Genetics
Classification: Uncertain significance. Last evaluated: 2023-05-29. Review status: criteria provided, single submitter. Criteria: ACMG Guidelines, 2015. Collection method: clinical testing. Allele origin: germline.